The following is an entry in ClinVar:

NM_020191.4(MRPS22):c.6G>A (p.Ala2=)

Gene: MRPS22 (mitochondrial ribosomal protein S22; plus strand). Cytogenetic location: 3q23.
Variant type: single nucleotide variant.
Coding change: c.6G>A on transcript NM_020191.4 (MANE Select); coding-DNA position 6, G replaced by A.
Protein change: p.Ala2=; no amino-acid change (alanine 2 retained).
Molecular consequence: synonymous variant.
Genome position (GRCh38, 1-based): chr3:139,344,032, G>A. VCF-style: chr3-139344032-G-A. GRCh37 (hg19) VCF-style: chr3-139062874-G-A.
Other names: p.A2A:GCG>GCA; c.6G>A, p.Ala2= (NM_001363893.1).
Identifiers: ClinVar variation 138252 (VCV000138252.13), dbSNP rs144902770, ClinGen allele CA292143.

ClinVar aggregate classification (germline): Conflicting classifications of pathogenicity. Review status: criteria provided, conflicting classifications (1 of 4 stars). 4 submissions from 4 submitters: Uncertain significance (1); Benign (1); Likely benign (2). Last evaluated 2024-04-01.

Conditions:
Hypotonia with lactic acidemia and hyperammonemia. Identifiers: Orphanet 137908, MedGen C2673642, MONDO:0012718, OMIM 611719.

Allele frequency attached by ClinVar (database versions not stated): ExAC 0.00012; ESP Exome Variant Server 0.00015; TOPMed 0.00015; gnomAD 0.00016 and 0.00018; gnomAD exomes 0.00018.

Submissions (4):

Labcorp Genetics (formerly Invitae), Labcorp
Classification: Likely benign. Last evaluated: 2024-04-01. Review status: criteria provided, single submitter. Criteria: Invitae Variant Classification Sherloc (09022015). Collection method: clinical testing. Allele origin: germline.

Blueprint Genetics
Classification: Likely benign. Last evaluated: 2024-03-18. Review status: criteria provided, single submitter. Criteria: ACMG Guidelines, 2015. Collection method: clinical testing. Allele origin: germline.

Illumina Laboratory Services, Illumina
Classification: Uncertain significance for Hypotonia with lactic acidemia and hyperammonemia. Last evaluated: 2018-01-13. Review status: criteria provided, single submitter. Criteria: ICSL Variant Classification Criteria 13 December 2019. Collection method: clinical testing. Allele origin: germline.

GeneDx
Classification: Benign. Last evaluated: 2014-02-19. Review status: criteria provided, single submitter. Criteria: GeneDx Variant Classification (06012015). Collection method: clinical testing. Allele origin: germline. Affected: yes.
Comment: This variant is considered likely benign or benign based on one or more of the following criteria: it is a conservative change, it occurs at a poorly conserved position in the protein, it is predicted to be benign by multiple in silico algorithms, and/or has population frequency not consistent with disease.